The following is an entry in ClinVar:

ClinVar aggregate classification (germline): Uncertain significance (1 of 4 stars; one submission).

Submission:

GeneDx
Classification: Uncertain significance. Last evaluated: 2019-10-08. Review status: criteria provided, single submitter. Criteria: GeneDx Variant Classification Process June 2021. Collection method: clinical testing. Allele origin: germline. Affected: yes.
Comment: Not observed in large population cohorts (Lek et al., 2016); In silico analysis, which includes protein predictors and evolutionary conservation, supports a deleterious effect; Has not been previously published as pathogenic or benign to our knowledge

NM_014008.5(CCDC22):c.761A>C (p.Glu254Ala)

Gene: CCDC22 (coiled-coil domain containing 22; plus strand). Cytogenetic location: Xp11.23.
Variant type: single nucleotide variant.
Coding change: c.761A>C on transcript NM_014008.5 (MANE Select); coding-DNA position 761, A replaced by C.
Protein change: p.Glu254Ala; replaces glutamic acid 254 with alanine.
Molecular consequence: missense variant.
Genome position (GRCh38, 1-based): chrX:49,246,777, A>C. VCF-style: chrX-49246777-A-C. GRCh37 (hg19) VCF-style: chrX-49103238-A-C.
Other names: short protein forms E254A.
Identifiers: ClinVar variation 1308471 (VCV001308471.2), dbSNP rs2147940353, ClinGen allele CA412936978.